The following is an entry in ClinVar:

NM_022114.4(PRDM16):c.3152G>C (p.Ser1051Thr)

Gene: PRDM16 (PR/SET domain 16; plus strand). Cytogenetic location: 1p36.32.
Variant type: single nucleotide variant.
Coding change: c.3152G>C on transcript NM_022114.4 (MANE Select); coding-DNA position 3152, G replaced by C.
Protein change: p.Ser1051Thr; replaces serine 1051 with threonine.
Molecular consequence: missense variant.
Genome position (GRCh38, 1-based): chr1:3,426,093, G>C. VCF-style: chr1-3426093-G-C. GRCh37 (hg19) VCF-style: chr1-3342657-G-C.
Other names: c.3152G>C, p.Ser1051Thr (NM_199454.3); short protein forms S1051T.
Identifiers: ClinVar variation 4738309 (VCV004738309.1).

ClinVar aggregate classification (germline): Uncertain significance (1 of 4 stars; one submission).

Conditions:
Left ventricular noncompaction 8 (LVNC8). Identifiers: Orphanet 154, Orphanet 54260, MedGen C3809288, MONDO:0014152, OMIM 615373.

Submission:

Labcorp Genetics (formerly Invitae), Labcorp
Classification: Uncertain significance for Left ventricular noncompaction 8. Last evaluated: 2025-02-05. Review status: criteria provided, single submitter. Criteria: Invitae Variant Classification Sherloc (09022015). Collection method: clinical testing. Allele origin: germline.
Comment: This sequence change replaces serine, which is neutral and polar, with threonine, which is neutral and polar, at codon 1051 of the PRDM16 protein (p.Ser1051Thr). This variant is present in population databases (rs778590995, gnomAD 0.003%). This variant has not been reported in the literature in individuals affected with PRDM16-related conditions. An algorithm developed to predict the effect of missense changes on protein structure and function (PolyPhen-2) suggests that this variant is likely to be tolerated. In summary, the available evidence is currently insufficient to determine the role of this variant in disease. Therefore, it has been classified as a Variant of Uncertain Significance.